The following is an entry in ClinVar:

ClinVar aggregate classification (germline): Conflicting classifications of pathogenicity. Review status: criteria provided, conflicting classifications (1 of 4 stars). 9 submissions from 9 submitters: Uncertain significance (1); Benign (3); Likely benign (4). 1 of the submissions does not count toward it. Last evaluated 2026-04-01.

Conditions:
ANK2-related disorder. Also called: ANK2-related condition.
Cardiovascular phenotype. Identifiers: MedGen CN230736.
Long QT syndrome (LQTS). Identifiers: MedGen C0023976, MeSH D008133, MONDO:0002442. Disease mechanism: loss of function. Inheritance: Various modes of inheritance.
Cardiac arrhythmia, ankyrin-B-related. Also called: ANKYRIN-B SYNDROME. Identifiers: Orphanet 101016, Orphanet 768, MedGen C1970119, MONDO:0010958, OMIM 600919.

Allele frequency attached by ClinVar (database versions not stated): 1000 Genomes Project 30x 0.00031; ExAC 0.00039; 1000 Genomes Project 0.00040; gnomAD exomes 0.00041; ESP Exome Variant Server 0.00046; gnomAD 0.00077 and 0.00084; TOPMed 0.00094.
gnomAD v4.1: 381 of 1,614,126 alleles (0.024%); highest among the groups gnomAD compares: African/African-American, 0.23%; 1 homozygote.

Submissions (9):

CeGaT Center for Human Genetics Tuebingen
Classification: Likely benign. Last evaluated: 2026-04-01. Review status: criteria provided, single submitter. Criteria: CeGaT Center For Human Genetics Tuebingen Variant Classification Criteria Version 2. Collection method: clinical testing. Allele origin: germline. Affected: yes. Observed: 1 variant allele.
Comment: ANK2: BP4, BP7, BS1

Labcorp Genetics (formerly Invitae), Labcorp
Classification: Benign for Long QT syndrome. Last evaluated: 2026-02-03. Review status: criteria provided, single submitter. Criteria: Invitae Variant Classification Sherloc (09022015). Collection method: clinical testing. Allele origin: germline.

Blueprint Genetics
Classification: Likely benign. Last evaluated: 2024-11-20. Review status: criteria provided, single submitter. Criteria: ACMG Guidelines, 2015. Collection method: clinical testing. Allele origin: germline.

Women's Health and Genetics/Laboratory Corporation of America, LabCorp
Classification: Benign. Last evaluated: 2018-11-05. Review status: criteria provided, single submitter. Criteria: LabCorp Variant Classification Summary - May 2015. Collection method: clinical testing. Allele origin: germline.
Comment: Variant summary: ANK2 c.11538C>T alters a non-conserved nucleotide resulting in a synonymous change. 5/5 computational tools predict no significant impact on normal splicing. However, these predictions have yet to be confirmed by functional studies. The variant allele was found at a frequency of 0.00044 in 276408 control chromosomes in the gnomAD database, including 1 homozygote. The observed variant frequency is approximately 44-fold above the estimated maximal expected allele frequency for a pathogenic variant in ANK2 causing Arrhythmia phenotype (1e-05), strongly suggesting that the variant is benign. To our knowledge, no occurrence of c.11538C>T in individuals affected with Arrhythmia and no experimental evidence demonstrating its impact on protein function have been reported. Four clinical diagnostic laboratories have submitted clinical-significance assessments for this variant to ClinVar after 2014 without evidence for independent evaluation with conflicting interpretations (2x - VUS; 2x likely benign/benign). Based on the evidence outlined above, the variant was classified as benign.

Illumina Laboratory Services, Illumina
Classification: Likely benign for Cardiac arrhythmia, ankyrin-B-related. Last evaluated: 2018-01-12. Review status: criteria provided, single submitter. Criteria: ICSL Variant Classification Criteria 13 December 2019. Collection method: clinical testing. Allele origin: germline.
Comment: This variant was observed in the ICSL laboratory as part of a predisposition screen in an ostensibly healthy population. It had not been previously curated by ICSL or reported in the Human Gene Mutation Database (HGMD: prior to June 1st, 2018), and was therefore a candidate for classification through an automated scoring system. Utilizing variant allele frequency, disease prevalence and penetrance estimates, and inheritance mode, an automated score was calculated to assess if this variant is too frequent to cause the disease. Based on the score and internal cut-off values, a variant classified as likely benign is not then subjected to further curation. The score for this variant resulted in a classification of likely benign for this disease.

Ambry Genetics
Classification: Likely benign for Cardiovascular phenotype. Last evaluated: 2015-10-08. Review status: criteria provided, single submitter. Criteria: Ambry Variant Classification Scheme 2023. Collection method: clinical testing. Allele origin: germline.

GeneDx
Classification: Benign. Last evaluated: 2015-03-03. Review status: criteria provided, single submitter. Criteria: GeneDx Variant Classification Process June 2021. Collection method: clinical testing. Allele origin: germline. Affected: yes.

Eurofins Ntd Llc (ga)
Classification: Uncertain significance. Last evaluated: 2015-02-02. Review status: criteria provided, single submitter. Criteria: EGL Classification Definitions 2015. Collection method: clinical testing. Allele origin: germline. Observed: 1 variant allele, 1 heterozygote.

PreventionGenetics, part of Exact Sciences
Classification: Likely benign for ANK2-related condition. Last evaluated: 2019-04-29. Review status: no assertion criteria provided. Collection method: clinical testing. Allele origin: germline. Not counted in ClinVar's aggregate classification.
Comment: This variant is classified as likely benign based on ACMG/AMP sequence variant interpretation guidelines (Richards et al. 2015 PMID: 25741868, with internal and published modifications).

NM_001148.6(ANK2):c.11538C>T (p.Leu3846=)

Gene: ANK2 (ankyrin 2; plus strand). Cytogenetic location: 4q26.
Variant type: single nucleotide variant.
Coding change: c.11538C>T on transcript NM_001148.6 (MANE Select); coding-DNA position 11538, C replaced by T.
Protein change: p.Leu3846=; no amino-acid change (leucine 3846 retained).
Molecular consequence: synonymous variant.
Genome position (GRCh38, 1-based): chr4:113,369,733, C>T. VCF-style: chr4-113369733-C-T. GRCh37 (hg19) VCF-style: chr4-114290889-C-T.
Other names: c.5256C>T, p.Leu1752= (NM_001127493.3); c.5295C>T, p.Leu1765= (NM_001354225.2); c.5184C>T, p.Leu1728= (NM_001354228.2, NM_001354258.2); c.5262C>T, p.Leu1754= (NM_001354230.2); c.5325C>T, p.Leu1775= (NM_001354231.2, NM_001354242.2); c.5319C>T, p.Leu1773= (NM_001354232.2); c.5280C>T, p.Leu1760= (NM_001354235.2, NM_001354246.2, NM_001354265.2); c.5181C>T, p.Leu1727= (NM_001354236.2); and 35 more.
Identifiers: ClinVar variation 197480 (VCV000197480.31), dbSNP rs45602336, ClinGen allele CA245653.
Genomic context (GRCh38, chr4:113,369,733, plus strand): 5'-ACAAGAACCCGAAGAGCCCTCAGAGCACAGAGAGGAGAGCTCTCCGCGGAAAACCAGCCT[C>T]GTAATAGTGGAGTCTGCCGATAACCAGCCTGAGACCTGTGAAAGACTCGATGAAGATGCA-3'
Protein context (NP_001139.3, residues 3836-3856): REESSPRKTS[Leu3846=]VIVESADNQP